The following is an entry in ClinVar:

ClinVar aggregate classification (germline): Uncertain significance (1 of 4 stars; one submission).

Conditions:
Neurofibromatosis, type 1 (NF1). Also called: VON RECKLINGHAUSEN DISEASE; NEUROFIBROMATOSIS, TYPE I, SOMATIC; Peripheral type neurofibromatosis; Neurofibromatosis, type I. Identifiers: Orphanet 636, MedGen C0027831, MONDO:0018975, OMIM 162200. Disease mechanism: loss of function.

Submission:

Labcorp Genetics (formerly Invitae), Labcorp
Classification: Uncertain significance for Neurofibromatosis, type 1. Last evaluated: 2024-02-01. Review status: criteria provided, single submitter. Criteria: Invitae Variant Classification Sherloc (09022015). Collection method: clinical testing. Allele origin: germline.
Comment: This sequence change replaces glutamine, which is neutral and polar, with glutamic acid, which is acidic and polar, at codon 1033 of the NF1 protein (p.Gln1033Glu). This variant is not present in population databases (gnomAD no frequency). This variant has not been reported in the literature in individuals affected with NF1-related conditions. Advanced modeling of protein sequence and biophysical properties (such as structural, functional, and spatial information, amino acid conservation, physicochemical variation, residue mobility, and thermodynamic stability) performed at Invitae indicates that this missense variant is expected to disrupt NF1 protein function with a positive predictive value of 95%. In summary, the available evidence is currently insufficient to determine the role of this variant in disease. Therefore, it has been classified as a Variant of Uncertain Significance.

NM_001042492.3(NF1):c.3097C>G (p.Gln1033Glu)

Gene: NF1 (neurofibromin 1; plus strand). Cytogenetic location: 17q11.2.
Variant type: single nucleotide variant.
Coding change: c.3097C>G on transcript NM_001042492.3 (MANE Select); coding-DNA position 3097, C replaced by G.
Protein change: p.Gln1033Glu; replaces glutamine 1033 with glutamic acid.
Molecular consequence: missense variant.
Genome position (GRCh38, 1-based): chr17:31,230,366, C>G. VCF-style: chr17-31230366-C-G. GRCh37 (hg19) VCF-style: chr17-29557384-C-G.
Other names: c.3097C>G, p.Gln1033Glu (NM_000267.4); short protein forms Q1033E.
Identifiers: ClinVar variation 2761544 (VCV002761544.3), dbSNP rs1131691104, ClinGen allele CA398987640.